The following is an entry in ClinVar:

ClinVar aggregate classification (germline): Uncertain significance (0 of 4 stars; one submission).

Conditions:
CDKL5-related disorder.

Submission:

PreventionGenetics, part of Exact Sciences
Classification: Uncertain significance for CDKL5-related condition. Last evaluated: 2024-08-05. Review status: no assertion criteria provided. Collection method: clinical testing. Allele origin: germline.
Comment: The CDKL5 c.27G>A variant is not predicted to result in an amino acid change (p.=). This variant is predicted to alter splicing based on available splicing prediction programs (SpliceAI, Jaganathan et al. 2019. PubMed ID: 30661751). However, the use of computer prediction programs is not equivalent to functional evidence. To our knowledge, this variant has not been reported in the literature or in a large population database, indicating this variant is rare. At this time, the clinical significance of this variant is uncertain due to the absence of conclusive functional and genetic evidence.

NM_001323289.2(CDKL5):c.27G>A (p.Val9=)

Gene: CDKL5 (cyclin dependent kinase like 5; plus strand). Cytogenetic location: Xp22.13.
Variant type: single nucleotide variant.
Coding change: c.27G>A on transcript NM_001323289.2 (MANE Select); coding-DNA position 27, G replaced by A.
Protein change: p.Val9=; no amino-acid change (valine 9 retained).
Molecular consequence: synonymous variant.
Genome position (GRCh38, 1-based): chrX:18,507,123, G>A. VCF-style: chrX-18507123-G-A. GRCh37 (hg19) VCF-style: chrX-18525243-G-A.
Other names: c.27G>A, p.Val9= (NM_001037343.2, NM_003159.3).
Identifiers: ClinVar variation 3345106 (VCV003345106.1).